The following is an entry in ClinVar:

ClinVar aggregate classification (germline): Likely benign (0 of 4 stars; one submission).

Conditions:
HERC1-related disorder. Also called: HERC1-related condition.

Allele frequency attached by ClinVar (database versions not stated): gnomAD exomes 0.00001; TOPMed 0.00002.
gnomAD v4.1: 21 of 1,613,332 alleles (0.0013%); highest among the groups gnomAD compares: Middle Eastern, 0.083%; no homozygotes.

Submission:

PreventionGenetics, part of Exact Sciences
Classification: Likely benign for HERC1-related condition. Last evaluated: 2019-03-22. Review status: no assertion criteria provided. Collection method: clinical testing. Allele origin: germline.
Comment: This variant is classified as likely benign based on ACMG/AMP sequence variant interpretation guidelines (Richards et al. 2015 PMID: 25741868, with internal and published modifications).

NM_003922.4(HERC1):c.11922C>T (p.Asn3974=)

Gene: HERC1 (HECT and RLD domain containing E3 ubiquitin protein ligase family member 1; minus strand). Cytogenetic location: 15q22.31.
Variant type: single nucleotide variant.
Coding change: c.11922C>T on transcript NM_003922.4 (MANE Select); coding-DNA position 11922, C replaced by T.
Protein change: p.Asn3974=; no amino-acid change (asparagine 3974 retained).
Molecular consequence: synonymous variant.
Genome position (GRCh38, 1-based): chr15:63,638,756, G>A on the plus strand (C>T on the coding strand, the complement: HERC1 is on the minus strand). VCF-style: chr15-63638756-G-A. GRCh37 (hg19) VCF-style: chr15-63930955-G-A.
Identifiers: ClinVar variation 3058347 (VCV003058347.2), dbSNP rs866854541, ClinGen allele CA272100273.